The following is an entry in ClinVar:

NM_000321.3(RB1):c.1811del (p.Asp604fs)

Gene: RB1 (RB transcriptional corepressor 1; plus strand). Cytogenetic location: 13q14.2.
Variant type: Deletion.
Coding change: c.1811del on transcript NM_000321.3 (MANE Select); coding-DNA position 1811, one base deleted (A; older notation c.1811delA).
Protein change: p.Asp604fs; shifts the reading frame from aspartic acid 604.
Molecular consequence: frameshift variant.
Genome position (GRCh38, 1-based): chr13:48,453,108, A deleted. VCF-style (leftmost placement, unchanged base first): chr13-48453107-GA-G. GRCh37 (hg19) VCF-style: chr13-49027243-GA-G.
Other names: c.1811delA (NM_000321.2); short protein forms D604fs.
Identifiers: ClinVar variation 428716 (VCV000428716.5), dbSNP rs1131690893, ClinGen allele CA645369524.

ClinVar aggregate classification (germline): Pathogenic (1 of 4 stars; one submission).

Conditions:
Hereditary cancer-predisposing syndrome. Also called: Hereditary Cancer Syndrome; Neoplastic Syndromes, Hereditary; Hereditary neoplastic syndrome; Tumor predisposition. Identifiers: Orphanet 140162, MedGen C0027672, MeSH D009386, MONDO:0015356.

Submission:

Ambry Genetics
Classification: Pathogenic for Hereditary cancer-predisposing syndrome. Last evaluated: 2015-08-15. Review status: criteria provided, single submitter. Criteria: Ambry Variant Classification Scheme 2023. Collection method: clinical testing. Allele origin: germline.
Comment: The c.1811delA pathogenic mutation, located in coding exon 18 of the RB1 gene, results from a deletion of one nucleotide at position 1811, causing a translational frameshift with a predicted alternate stop codon. Since frameshifts are typically deleterious in nature, this alteration is interpreted as a disease-causing mutation (ACMG Recommendations for Standards for Interpretation and Reporting of Sequence Variations. Revision 2007. Genet Med. 2008;10:294).